The following is an entry in ClinVar:

NM_001267550.2(TTN):c.48461-1G>A

Genes: TTN (titin; minus strand), TTN-AS1 (TTN antisense RNA 1; plus strand). Cytogenetic location: 2q31.2.
Variant type: single nucleotide variant.
Coding change: c.48461-1G>A on transcript NM_001267550.2 (MANE Select); the canonical splice acceptor site of the intron before coding-DNA position 48461, G replaced by A.
Molecular consequence: splice acceptor variant.
Genome position (GRCh38, 1-based): chr2:178,615,485, C>T on the plus strand (G>A on the coding strand, the complement: TTN is on the minus strand). VCF-style: chr2-178615485-C-T. GRCh37 (hg19) VCF-style: chr2-179480212-C-T.
Other names: c.21266-1G>A (NM_003319.4); c.21842-1G>A (NM_133437.4); c.21641-1G>A (NM_133432.3); c.40757-1G>A (NM_133378.4); c.43538-1G>A (NM_001256850.1).
Identifiers: ClinVar variation 1492692 (VCV001492692.8), dbSNP rs2154206288, ClinGen allele CA349609469.
Genomic context (GRCh38, chr2:178,615,485, plus strand): 5'-AGAAGATGCTATTGGCTGTTCGATCTCTCCATTTAACATTCTCTGGTGGGTCAGGTACCG[C>T]TACAACATTTGGAAGAGAGAGTCAGTCTTACACAGGCCACCTATGCAGTTCTCTTCACAT-3'

ClinVar aggregate classification (germline): Likely pathogenic (1 of 4 stars; one submission).

Conditions:
Dilated cardiomyopathy 1G (CMD1G). Identifiers: Orphanet 154, MedGen C1858763, MONDO:0011400, OMIM 604145.
Autosomal recessive limb-girdle muscular dystrophy type 2J (LGMDR10). Also called: Limb-girdle muscular dystrophy, type 2J; MUSCULAR DYSTROPHY, LIMB-GIRDLE, AUTOSOMAL RECESSIVE 10. Identifiers: Orphanet 140922, MedGen C1837342, MONDO:0012127, OMIM 608807.

Submission:

Labcorp Genetics (formerly Invitae), Labcorp
Classification: Likely pathogenic for Dilated cardiomyopathy 1G; Autosomal recessive limb-girdle muscular dystrophy type 2J. Last evaluated: 2025-11-21. Review status: criteria provided, single submitter. Criteria: Invitae Variant Classification Sherloc (09022015). Collection method: clinical testing. Allele origin: germline.
Comment: This sequence change affects an acceptor splice site in intron 258 of the TTN gene. It is expected to disrupt RNA splicing and likely results in a truncated or disrupted TTN protein. This variant is not present in population databases (gnomAD no frequency). This variant has not been reported in the literature in individuals affected with TTN-related conditions. ClinVar contains an entry for this variant (Variation ID: 1492692). Algorithms developed to predict the effect of sequence changes on RNA splicing suggest that this variant may disrupt the consensus splice site. This variant is located in the A band of TTN (PMID: 25589632). Truncating variants in this region are significantly overrepresented in patients affected with dilated cardiomyopathy (PMID: 25589632). Truncating variants in this region have also been reported in individuals affected with autosomal recessive centronuclear myopathy (PMID: 23975875). In summary, the currently available evidence indicates that the variant is pathogenic, but additional data are needed to prove that conclusively. Therefore, this variant has been classified as Likely Pathogenic.

Literature cited by the submitters: PubMed 25589632; PubMed 23975875.